The following is an entry in ClinVar:

ClinVar aggregate classification (germline): Uncertain significance (1 of 4 stars; one submission).

Conditions:
Desmin-related myofibrillar myopathy (MFM1). Also called: Desminopathy; Desmin related myopathy (former name); Desmin storage myopathy (former name); MYOFIBRILLAR MYOPATHY WITH ARRHYTHMOGENIC RIGHT VENTRICULAR CARDIOMYOPATHY; DESMIN-RELATED MYOPATHY WITH ARRHYTHMOGENIC RIGHT VENTRICULAR CARDIOMYOPATHY; Myofibrillar myopathy 1. Identifiers: Orphanet 363543, Orphanet 98909, MedGen C1832370, MONDO:0011076, OMIM 601419.

gnomAD v4.1: 1 of 1,604,500 alleles (0.000062%); highest among the groups gnomAD compares: Non-Finnish European, 0.000085%; no homozygotes.

Submission:

Labcorp Genetics (formerly Invitae), Labcorp
Classification: Uncertain significance for Desmin-related myofibrillar myopathy. Last evaluated: 2024-02-27. Review status: criteria provided, single submitter. Criteria: Invitae Variant Classification Sherloc (09022015). Collection method: clinical testing. Allele origin: germline.
Comment: This sequence change replaces glycine, which is neutral and non-polar, with aspartic acid, which is acidic and polar, at codon 39 of the DES protein (p.Gly39Asp). The frequency data for this variant in the population databases is considered unreliable, as metrics indicate poor data quality at this position in the gnomAD database. This variant has not been reported in the literature in individuals affected with DES-related conditions. Advanced modeling of protein sequence and biophysical properties (such as structural, functional, and spatial information, amino acid conservation, physicochemical variation, residue mobility, and thermodynamic stability) has been performed at Invitae for this missense variant, however the output from this modeling did not meet the statistical confidence thresholds required to predict the impact of this variant on DES protein function. In summary, the available evidence is currently insufficient to determine the role of this variant in disease. Therefore, it has been classified as a Variant of Uncertain Significance.

NM_001927.4(DES):c.116G>A (p.Gly39Asp)

Gene: DES (desmin; plus strand). Cytogenetic location: 2q35.
Variant type: single nucleotide variant.
Coding change: c.116G>A on transcript NM_001927.4 (MANE Select); coding-DNA position 116, G replaced by A.
Protein change: p.Gly39Asp; replaces glycine 39 with aspartic acid.
Molecular consequence: missense variant.
Genome position (GRCh38, 1-based): chr2:219,418,578, G>A. VCF-style: chr2-219418578-G-A. GRCh37 (hg19) VCF-style: chr2-220283300-G-A.
Other names: c.116G>A, p.Gly39Asp (NM_001382708.1, NM_001382709.1, NM_001382710.1 and 3 more transcripts); short protein forms G39D.
Identifiers: ClinVar variation 3762805 (VCV003762805.2).